The following is an entry in ClinVar:

ClinVar aggregate classification (germline): Uncertain significance (1 of 4 stars; one submission).

Conditions:
Cardiovascular phenotype. Identifiers: MedGen CN230736.

Submission:

Molecular Diagnostic Laboratory for Inherited Cardiovascular Disease, Montreal Heart Institute
Classification: Uncertain significance for Cardiovascular phenotype. Last evaluated: 2025-04-09. Review status: criteria provided, single submitter. Criteria: ACMG Guidelines, 2015. Collection method: clinical testing. Allele origin: germline. Affected: yes.
Comment: PM2, PP3

NM_000257.4(MYH7):c.3832G>C (p.Ala1278Pro)

Gene: MYH7 (myosin heavy chain 7; minus strand). Cytogenetic location: 14q11.2.
Variant type: single nucleotide variant.
Coding change: c.3832G>C on transcript NM_000257.4 (MANE Select); coding-DNA position 3832, G replaced by C.
Protein change: p.Ala1278Pro; replaces alanine 1278 with proline.
Molecular consequence: missense variant.
Genome position (GRCh38, 1-based): chr14:23,419,504, C>G on the plus strand (G>C on the coding strand, the complement: MYH7 is on the minus strand). VCF-style: chr14-23419504-C-G. GRCh37 (hg19) VCF-style: chr14-23888713-C-G.
Other names: c.3832G>C, p.Ala1278Pro (NM_001407004.1); short protein forms A1278P.
Identifiers: ClinVar variation 3895377 (VCV003895377.1).